The following is an entry in ClinVar:

NM_004380.3(CREBBP):c.7143T>G (p.Gly2381=)

Gene: CREBBP (CREB binding lysine acetyltransferase; minus strand). Cytogenetic location: 16p13.3.
Variant type: single nucleotide variant.
Coding change: c.7143T>G on transcript NM_004380.3 (MANE Select); coding-DNA position 7143, T replaced by G.
Protein change: p.Gly2381=; no amino-acid change (glycine 2381 retained).
Molecular consequence: synonymous variant.
Genome position (GRCh38, 1-based): chr16:3,727,904, A>C on the plus strand (T>G on the coding strand, the complement: CREBBP is on the minus strand). VCF-style: chr16-3727904-A-C. GRCh37 (hg19) VCF-style: chr16-3777905-A-C.
Other names: c.7029T>G, p.Gly2343= (NM_001079846.1).
Identifiers: ClinVar variation 4978677 (VCV004978677.1).

ClinVar aggregate classification (germline): Likely benign (1 of 4 stars; one submission).

Conditions:
CREBBP-related disorder. Also called: CREBBP-related disorders; CREBBP-related condition.

Submission:

PreventionGenetics, part of Exact Sciences
Classification: Likely benign for CREBBP-related condition. Last evaluated: 2026-09-11. Review status: criteria provided, single submitter. Criteria: ACMG Guidelines, 2015. Collection method: clinical testing. Allele origin: germline.
Comment: This variant is classified as likely benign based on ACMG/AMP sequence variant interpretation guidelines (Richards et al. 2015 PMID: 25741868, with internal and published modifications).